The following is an entry in ClinVar:

ClinVar aggregate classification (germline): Uncertain significance (1 of 4 stars; one submission).

Conditions:
Cardiovascular phenotype. Identifiers: MedGen CN230736.

Allele frequency attached by ClinVar (database versions not stated): gnomAD 0.00001; TOPMed 0.00001.
gnomAD v4.1: 1 of 1,550,102 alleles (0.000065%); highest among the groups gnomAD compares: East Asian, 0.0024%; no homozygotes.

Submission:

Ambry Genetics
Classification: Uncertain significance for Cardiovascular phenotype. Last evaluated: 2025-04-30. Review status: criteria provided, single submitter. Criteria: Ambry Variant Classification Scheme 2023. Collection method: clinical testing. Allele origin: germline.
Comment: The p.G282R variant (also known as c.844G>A), located in coding exon 1 of the ZNF469 gene, results from a G to A substitution at nucleotide position 844. The glycine at codon 282 is replaced by arginine, an amino acid with dissimilar properties. This amino acid position is conserved. In addition, this alteration is predicted to be tolerated by in silico analysis. Since supporting evidence is limited at this time, the clinical significance of this alteration remains unclear.

NM_001367624.2(ZNF469):c.844G>A (p.Gly282Arg)

Gene: ZNF469 (zinc finger protein 469; plus strand). Cytogenetic location: 16q24.2.
Variant type: single nucleotide variant.
Coding change: c.844G>A on transcript NM_001367624.2 (MANE Select); coding-DNA position 844, G replaced by A.
Protein change: p.Gly282Arg; replaces glycine 282 with arginine.
Molecular consequence: missense variant.
Genome position (GRCh38, 1-based): chr16:88,428,314, G>A. VCF-style: chr16-88428314-G-A. GRCh37 (hg19) VCF-style: chr16-88494722-G-A.
Other names: NM_001127464.1:c.844G>A; short protein forms G282R.
Identifiers: ClinVar variation 1763431 (VCV001763431.3), dbSNP rs1443113823, ClinGen allele CA397062075.